The following is an entry in ClinVar:

ClinVar aggregate classification (germline): Likely benign (1 of 4 stars; one submission).

Submission:

CeGaT Center for Human Genetics Tuebingen
Classification: Likely benign. Last evaluated: 2024-11-01. Review status: criteria provided, single submitter. Criteria: CeGaT Center For Human Genetics Tuebingen Variant Classification Criteria Version 2. Collection method: clinical testing. Allele origin: germline. Affected: yes. Observed: 1 variant allele.
Comment: HCFC1: PM2:Supporting, BP4, BP7

NM_005334.3(HCFC1):c.2676C>T (p.Thr892=)

Gene: HCFC1 (host cell factor C1; minus strand). Cytogenetic location: Xq28.
Variant type: single nucleotide variant.
Coding change: c.2676C>T on transcript NM_005334.3 (MANE Select); coding-DNA position 2676, C replaced by T.
Protein change: p.Thr892=; no amino-acid change (threonine 892 retained).
Molecular consequence: synonymous variant.
Genome position (GRCh38, 1-based): chrX:153,956,371, G>A on the plus strand (C>T on the coding strand, the complement: HCFC1 is on the minus strand). VCF-style: chrX-153956371-G-A. GRCh37 (hg19) VCF-style: chrX-153221822-G-A.
Other names: c.2676C>T, p.Thr892= (NM_001410705.1).
Identifiers: ClinVar variation 3390126 (VCV003390126.14).
Genomic context (GRCh38, chrX:153,956,371, plus strand): 5'-GGTGGTGATGGGCGTGGCCAGGGAAGCACTAGTGCTGTGGCCCCCCGCCCCGGCAAGGCT[G>A]GTGGAGACGGTGCCTGTCACTGTGCCTAGGGTCGTGACACCTGAAGGAAAGGAGGCAAGA-3'
Protein context (NP_005325.2, residues 882-902): TLGTVTGTVS[Thr892=]SLAGAGGHST